The following is an entry in ClinVar:

NM_001089.3(ABCA3):c.737C>T (p.Pro246Leu)

Gene: ABCA3 (ATP binding cassette subfamily A member 3; minus strand). Cytogenetic location: 16p13.3.
Variant type: single nucleotide variant.
Coding change: c.737C>T on transcript NM_001089.3 (MANE Select); coding-DNA position 737, C replaced by T.
Protein change: p.Pro246Leu; replaces proline 246 with leucine.
Molecular consequence: missense variant.
Genome position (GRCh38, 1-based): chr16:2,319,717, G>A on the plus strand (C>T on the coding strand, the complement: ABCA3 is on the minus strand). VCF-style: chr16-2319717-G-A. GRCh37 (hg19) VCF-style: chr16-2369718-G-A.
Other names: short protein forms P246L.
Identifiers: ClinVar variation 2982329 (VCV002982329.5), dbSNP rs144653790, ClinGen allele CA7841536.

ClinVar aggregate classification (germline): Pathogenic/Likely pathogenic. Review status: criteria provided, multiple submitters, no conflicts (2 of 4 stars). 2 submissions from 2 submitters: Pathogenic (1); Likely pathogenic (1). Last evaluated 2025-10-28.

Conditions:
Hereditary pulmonary alveolar proteinosis. Also called: Pulmonary surfactant metabolism dysfunction. Identifiers: Orphanet 264675, MedGen C3711368, MONDO:0012580.

Allele frequency attached by ClinVar (database versions not stated): gnomAD 0.00001; gnomAD exomes 0.00001; TOPMed 0.00001; ExAC 0.00002; ESP Exome Variant Server 0.00008.
gnomAD v4.1: 12 of 1,613,624 alleles (0.00074%); highest among the groups gnomAD compares: East Asian, 0.0022%; no homozygotes.

Submissions (2):

Labcorp Genetics (formerly Invitae), Labcorp
Classification: Pathogenic. Last evaluated: 2025-10-28. Review status: criteria provided, single submitter. Criteria: Invitae Variant Classification Sherloc (09022015). Collection method: clinical testing. Allele origin: germline.
Comment: This sequence change replaces proline, which is neutral and non-polar, with leucine, which is neutral and non-polar, at codon 246 of the ABCA3 protein (p.Pro246Leu). This variant is present in population databases (rs144653790, gnomAD 0.003%). This missense change has been observed in individual(s) with autosomal recessive childhood interstitial lung disease and/or fatal surfactant deficiency (PMID: 33110422, 36808083). In at least one individual the data is consistent with being in trans (on the opposite chromosome) from a pathogenic variant. ClinVar contains an entry for this variant (Variation ID: 2982329). Invitae Evidence Modeling of protein sequence and biophysical properties (such as structural, functional, and spatial information, amino acid conservation, physicochemical variation, residue mobility, and thermodynamic stability) indicates that this missense variant is expected to disrupt ABCA3 protein function with a positive predictive value of 80%. For these reasons, this variant has been classified as Pathogenic.

Clinical Genetics Laboratory, Skane University Hospital Lund
Classification: Likely pathogenic for Hereditary pulmonary alveolar proteinosis. Last evaluated: 2024-12-18. Review status: criteria provided, single submitter. Criteria: ACMG Guidelines, 2015. Collection method: clinical testing. Allele origin: germline. Affected: yes.
Comment: ACMG criteria used: PS4_Moderate (PMID: 33110422, 36808083), PM2, PM3, PP3

Literature cited by the submitters: PubMed 33110422 (cited by Labcorp Genetics (formerly Invitae), Labcorp); PubMed 36808083 (cited by Labcorp Genetics (formerly Invitae), Labcorp).